The following is an entry in ClinVar:

NM_001854.4(COL11A1):c.*632G>A

Gene: COL11A1 (collagen type XI alpha 1 chain; minus strand). Cytogenetic location: 1p21.1.
Variant type: single nucleotide variant.
Coding change: c.*632G>A on transcript NM_001854.4 (MANE Select); 632 bases downstream of the stop codon, G replaced by A.
Molecular consequence: 3 prime UTR variant. On other transcripts: non-coding transcript variant (1).
Genome position (GRCh38, 1-based): chr1:102,877,387, C>T on the plus strand (G>A on the coding strand, the complement: COL11A1 is on the minus strand). VCF-style: chr1-102877387-C-T. GRCh37 (hg19) VCF-style: chr1-103342943-C-T.
Other names: c.*632G>A (NM_001190709.2, NM_080629.3, NM_080630.4).
Identifiers: ClinVar variation 291484 (VCV000291484.6), dbSNP rs74108029, ClinGen allele CA10607201.

ClinVar aggregate classification (germline): Benign/Likely benign. Review status: criteria provided, multiple submitters, no conflicts (2 of 4 stars). 3 submissions from 2 submitters: Benign (1); Likely benign (2). Last evaluated 2021-05-11.

Conditions:
Stickler syndrome type 2 (STL2). Also called: STICKLER SYNDROME, TYPE II; STICKLER SYNDROME, BEADED VITREOUS TYPE; STICKLER SYNDROME, VITREOUS TYPE 2; COL11A1-Related Stickler Syndrome. Identifiers: Orphanet 828, Orphanet 90654, MedGen C1858084, MONDO:0011493, OMIM 604841.
Fibrochondrogenesis 1 (FBCG1). Identifiers: Orphanet 2021, MedGen C3278138, MONDO:0009226, OMIM 228520.

Allele frequency attached by ClinVar (database versions not stated): 1000 Genomes Project 0.00519; 1000 Genomes Project 30x 0.00625; gnomAD 0.00651 and 0.00700; TOPMed 0.00760.

Submissions (3):

GeneDx
Classification: Likely benign. Last evaluated: 2021-05-11. Review status: criteria provided, single submitter. Criteria: GeneDx Variant Classification Process June 2021. Collection method: clinical testing. Allele origin: germline. Affected: yes.

Illumina Laboratory Services, Illumina
Classification: Likely benign for Stickler syndrome type 2. Last evaluated: 2018-01-13. Review status: criteria provided, single submitter. Criteria: ICSL Variant Classification Criteria 13 December 2019. Collection method: clinical testing. Allele origin: germline.
Comment: This variant was observed in the ICSL laboratory as part of a predisposition screen in an ostensibly healthy population. It had not been previously curated by ICSL or reported in the Human Gene Mutation Database (HGMD: prior to June 1st, 2018), and was therefore a candidate for classification through an automated scoring system. Utilizing variant allele frequency, disease prevalence and penetrance estimates, and inheritance mode, an automated score was calculated to assess if this variant is too frequent to cause the disease. Based on the score and internal cut-off values, a variant classified as likely benign is not then subjected to further curation. The score for this variant resulted in a classification of likely benign for this disease.

Illumina Laboratory Services, Illumina
Classification: Benign for Fibrochondrogenesis 1. Last evaluated: 2018-01-13. Review status: criteria provided, single submitter. Criteria: ICSL Variant Classification Criteria 13 December 2019. Collection method: clinical testing. Allele origin: germline.
Comment: This variant was observed in the ICSL laboratory as part of a predisposition screen in an ostensibly healthy population. It had not been previously curated by ICSL or reported in the Human Gene Mutation Database (HGMD: prior to June 1st, 2018), and was therefore a candidate for classification through an automated scoring system. Utilizing variant allele frequency, disease prevalence and penetrance estimates, and inheritance mode, an automated score was calculated to assess if this variant is too frequent to cause the disease. Based on the score and internal cut-off values, a variant classified as benign is not then subjected to further curation. The score for this variant resulted in a classification of benign for this disease.